The following is an entry in ClinVar:

ClinVar aggregate classification (germline): Uncertain significance (1 of 4 stars; one submission).

Allele frequency attached by ClinVar (database versions not stated): TOPMed below 0.00001; ExAC 0.00001; gnomAD exomes 0.00001; ESP Exome Variant Server 0.00008.
gnomAD v4.1: 24 of 1,614,046 alleles (0.0015%); highest among the groups gnomAD compares: Non-Finnish European, 0.0017%; no homozygotes.

Submission:

Athena Diagnostics
Classification: Uncertain significance. Last evaluated: 2023-01-05. Review status: criteria provided, single submitter. Criteria: Athena Diagnostics Criteria. Collection method: clinical testing. Allele origin: unknown.
Comment: Available data are insufficient to determine the clinical significance of the variant at this time. The frequency of this variant in the general population is uninformative in assessment of its pathogenicity. Computational tools disagree on the variant's effect on normal protein function.

NM_144672.4(OTOA):c.451C>G (p.Gln151Glu)

Gene: OTOA (otoancorin). Cytogenetic location: 16p12.2.
Variant type: single nucleotide variant.
Coding change: c.451C>G on transcript NM_144672.4 (MANE Select); coding-DNA position 451, C replaced by G.
Protein change: p.Gln151Glu; replaces glutamine 151 with glutamic acid.
Molecular consequence: missense variant.
Genome position (GRCh38, 1-based): chr16:21,687,464, C>G. VCF-style: chr16-21687464-C-G. GRCh37 (hg19) VCF-style: chr16-21698785-C-G.
Other names: c.214C>G, p.Gln72Glu (NM_001161683.2); short protein forms Q151E, Q72E.
Identifiers: ClinVar variation 2684285 (VCV002684285.1), dbSNP rs368501820, ClinGen allele CA7952312.